The following is an entry in ClinVar:

ClinVar aggregate classification (germline): Uncertain significance. Review status: criteria provided, multiple submitters, no conflicts (2 of 4 stars). 2 submissions from 2 submitters: Uncertain significance (2). Last evaluated 2024-09-30.

Conditions:
Neuronal ceroid lipofuscinosis 7 (CLN7). Also called: MFSD8-Related Neuronal Ceroid-Lipofuscinosis. Identifiers: Orphanet 168491, Orphanet 228366, MedGen C1838571, MONDO:0012588, OMIM 610951.
Inborn genetic diseases. Identifiers: MedGen C0950123, MeSH D030342.

Submissions (2):

Labcorp Genetics (formerly Invitae), Labcorp
Classification: Uncertain significance for Neuronal ceroid lipofuscinosis 7. Last evaluated: 2024-09-30. Review status: criteria provided, single submitter. Criteria: Invitae Variant Classification Sherloc (09022015). Collection method: clinical testing. Allele origin: germline.
Comment: This sequence change replaces leucine, which is neutral and non-polar, with histidine, which is basic and polar, at codon 193 of the MFSD8 protein (p.Leu193His). This variant is not present in population databases (gnomAD no frequency). This variant has not been reported in the literature in individuals affected with MFSD8-related conditions. ClinVar contains an entry for this variant (Variation ID: 861654). Invitae Evidence Modeling of protein sequence and biophysical properties (such as structural, functional, and spatial information, amino acid conservation, physicochemical variation, residue mobility, and thermodynamic stability) indicates that this missense variant is not expected to disrupt MFSD8 protein function with a negative predictive value of 80%. In summary, the available evidence is currently insufficient to determine the role of this variant in disease. Therefore, it has been classified as a Variant of Uncertain Significance.

Ambry Genetics
Classification: Uncertain significance for Inborn genetic diseases. Last evaluated: 2022-11-18. Review status: criteria provided, single submitter. Criteria: Ambry Variant Classification Scheme 2023. Collection method: clinical testing. Allele origin: germline.

NM_001371596.2(MFSD8):c.578T>A (p.Leu193His)

Gene: MFSD8 (major facilitator superfamily domain containing 8; minus strand). Cytogenetic location: 4q28.2.
Variant type: single nucleotide variant.
Coding change: c.578T>A on transcript NM_001371596.2 (MANE Select); coding-DNA position 578, T replaced by A.
Protein change: p.Leu193His; replaces leucine 193 with histidine.
Molecular consequence: missense variant. On other transcripts: intron variant (5).
Genome position (GRCh38, 1-based): chr4:127,939,973, A>T on the plus strand (T>A on the coding strand, the complement: MFSD8 is on the minus strand). VCF-style: chr4-127939973-A-T. GRCh37 (hg19) VCF-style: chr4-128861128-A-T.
Other names: c.443T>A, p.Leu148His (NM_001371590.2); c.578T>A, p.Leu193His (NM_001371591.2, NM_152778.4); c.584T>A, p.Leu195His (NM_001371592.2); c.464T>A, p.Leu155His (NM_001371593.2, NM_001410766.1); c.419-1137T>A (NM_001371595.1); c.304+3779T>A (NM_001410765.1); c.439+3779T>A (NM_001363521.3); c.553+2072T>A (NM_001363520.3); and 1 more; short protein forms L193H, L195H, L148H, L155H.
Identifiers: ClinVar variation 861654 (VCV000861654.7), dbSNP rs914063167, ClinGen allele CA105684186.